The following is an entry in ClinVar:

NC_012920.1(MT-TM):m.4435A>G

Gene: MT-TM (mitochondrially encoded tRNA methionine; plus strand).
Variant type: single nucleotide variant.
Genome position: chrM-4435-A-G.
Identifiers: ClinVar variation 689912 (VCV000689912.1), dbSNP rs878930498, ClinGen allele CA337096873.

ClinVar aggregate classification (germline): Benign (1 of 4 stars; one submission).

Conditions:
MELAS syndrome (MELAS). Also called: Juvenile myopathy, encephalopathy, lactic acidosis, stroke. Identifiers: Orphanet 550, MedGen C0162671, MONDO:0010789, OMIM 540000.

Submission:

Wong Mito Lab, Molecular and Human Genetics, Baylor College of Medicine
Classification: Benign for MELAS syndrome. Last evaluated: 2019-07-12. Review status: criteria provided, single submitter. Criteria: Modified ACMG Guidelines (Unpublished). Collection method: clinical testing. Allele origin: germline.
Comment: The NC_012920.1:m.4435A>G variant in MT-TM gene is interpreted to be a Benign variant based on the modified ACMG guidelines (unpublished). This variant meets the following evidence codes reported in the guidelines: BS1, BS2, BP4

Literature cited by the submitters: PubMed 31965079.